The following is an entry in ClinVar:

NM_012330.4(KAT6B):c.3288_3290dup (p.Glu1104_Asn1105insGlu)

Gene: KAT6B (lysine acetyltransferase 6B; plus strand). Cytogenetic location: 10q22.2.
Variant type: Duplication.
Coding change: c.3288_3290dup on transcript NM_012330.4 (MANE Select); coding-DNA positions 3288 to 3290, 3 bases duplicated (GGA; older notation c.3288_3290dupGGA).
Protein change: p.Glu1104_Asn1105insGlu.
Genome position (GRCh38, 1-based): chr10:75,022,147-75,022,149, GGA duplicated; duplicating any 3 consecutive bases within chr10:75,022,145-75,022,149 gives the same sequence; the c. name uses the placement nearest the transcript's 3' end. VCF-style (leftmost placement, unchanged base first): chr10-75022144-A-AGAG. GRCh37 (hg19) VCF-style: chr10-76781902-A-AGAG.
Other names: c.3288_3290dup, p.Glu1104_Asn1105insGlu (NM_001370137.1, NM_001370136.1); c.2739_2741dup, p.Glu921_Asn922insGlu (NM_001370138.1, NM_001256468.2); c.2412_2414dup, p.Glu812_Asn813insGlu (NM_001370139.1, NM_001370140.1, NM_001370141.1 and 2 more transcripts); c.2223_2225dup, p.Glu749_Asn750insGlu (NM_001370143.1, NM_001370144.1); c.2250_2252dup, p.Glu758_Asn759insGlu (NM_001370132.1); c.1599_1601dup, p.Glu541_Asn542insGlu (NM_001370133.1); c.1203_1205dup, p.Glu409_Asn410insGlu (NM_001370134.1); c.945_947dup, p.Glu323_Asn324insGlu (NM_001370135.1); and 1 more.
Identifiers: ClinVar variation 4847361 (VCV004847361.1).

ClinVar aggregate classification (germline): Uncertain significance (1 of 4 stars; one submission).

Submission:

Women's Health and Genetics/Laboratory Corporation of America, LabCorp
Classification: Uncertain significance. Last evaluated: 2026-03-10. Review status: criteria provided, single submitter. Criteria: LabCorp Variant Classification Summary - May 2015. Collection method: clinical testing. Allele origin: germline.
Comment: Variant summary: KAT6B c.3288_3290dupGGA (p.Glu1104dup) results in an in-frame duplication that is predicted to duplicate one amino acid into the encoded protein. The variant allele was found at a frequency of 8.2e-06 in 242810 control chromosomes. The available data on variant occurrences in the general population are insufficient to allow any conclusion about variant significance. To our knowledge, no occurrence of c.3288_3290dupGGA in individuals affected with KAT6B-related conditions and no experimental evidence demonstrating its impact on protein function have been reported. No submitters have cited clinical-significance assessments for this variant to ClinVar. Based on the evidence outlined above, the variant was classified as uncertain significance.